The following is an entry in ClinVar:

NM_000744.7(CHRNA4):c.-30C>A

Genes: CHRNA4 (cholinergic receptor nicotinic alpha 4 subunit; minus strand), LOC100130587 (uncharacterized LOC100130587; plus strand). Cytogenetic location: 20q13.33.
Variant type: single nucleotide variant.
Coding change: c.-30C>A on transcript NM_000744.7 (MANE Select); 30 bases upstream of the start codon, C replaced by A.
Molecular consequence: 5 prime UTR variant. On other transcripts: non-coding transcript variant (1).
Genome position (GRCh38, 1-based): chr20:63,361,195, G>T on the plus strand (C>A on the coding strand, the complement: CHRNA4 is on the minus strand). VCF-style: chr20-63361195-G-T. GRCh37 (hg19) VCF-style: chr20-61992547-G-T.
Other names: c.-489C>A (NM_001256573.2).
Identifiers: ClinVar variation 506618 (VCV000506618.1), dbSNP rs6090387, ClinGen allele CA9958005.

ClinVar aggregate classification (germline): Likely benign (1 of 4 stars; one submission).

Allele frequency attached by ClinVar (database versions not stated): 1000 Genomes Project 30x 0.00031.

Submission:

GeneDx
Classification: Likely benign. Last evaluated: 2017-12-04. Review status: criteria provided, single submitter. Criteria: GeneDx Variant Classification (06012015). Collection method: clinical testing. Allele origin: germline. Affected: yes.
Comment: This variant is considered likely benign or benign based on one or more of the following criteria: it is a conservative change, it occurs at a poorly conserved position in the protein, it is predicted to be benign by multiple in silico algorithms, and/or has population frequency not consistent with disease.